The following is an entry in ClinVar:

ClinVar aggregate classification (germline): Uncertain significance (1 of 4 stars; one submission).

Allele frequency attached by ClinVar (database versions not stated): gnomAD exomes below 0.00001 and 0.00001; TOPMed below 0.00001.
gnomAD v4.1: 2 of 1,588,322 alleles (0.00013%); highest among the groups gnomAD compares: Admixed American, 0.0035%; no homozygotes.

Submission:

Labcorp Genetics (formerly Invitae), Labcorp
Classification: Uncertain significance. Last evaluated: 2021-07-12. Review status: criteria provided, single submitter. Criteria: Invitae Variant Classification Sherloc (09022015). Collection method: clinical testing. Allele origin: germline.
Comment: This variant has not been reported in the literature in individuals affected with TMEM38B-related conditions. Algorithms developed to predict the effect of missense changes on protein structure and function are either unavailable or do not agree on the potential impact of this missense change (SIFT: "Tolerated"; PolyPhen-2: "Possibly Damaging"; Align-GVGD: "Class C0"). In summary, the available evidence is currently insufficient to determine the role of this variant in disease. Therefore, it has been classified as a Variant of Uncertain Significance. This variant is not present in population databases (ExAC no frequency). This sequence change replaces alanine with glutamic acid at codon 32 of the TMEM38B protein (p.Ala32Glu). The alanine residue is moderately conserved and there is a moderate physicochemical difference between alanine and glutamic acid.

NM_018112.3(TMEM38B):c.95C>A (p.Ala32Glu)

Gene: TMEM38B (transmembrane protein 38B; plus strand). Cytogenetic location: 9q31.2.
Variant type: single nucleotide variant.
Coding change: c.95C>A on transcript NM_018112.3 (MANE Select); coding-DNA position 95, C replaced by A.
Protein change: p.Ala32Glu; replaces alanine 32 with glutamic acid.
Molecular consequence: missense variant.
Genome position (GRCh38, 1-based): chr9:105,694,755, C>A. VCF-style: chr9-105694755-C-A. GRCh37 (hg19) VCF-style: chr9-108457036-C-A.
Other names: short protein forms A32E.
Identifiers: ClinVar variation 1510862 (VCV001510862.8), dbSNP rs1472870811, ClinGen allele CA374380900.